The following is an entry in ClinVar:

ClinVar aggregate classification (germline): Conflicting classifications of pathogenicity. Review status: criteria provided, conflicting classifications (1 of 4 stars). 2 submissions from 2 submitters: Uncertain significance (1); Likely benign (1). Last evaluated 2023-03-23.

Conditions:
Hereditary breast ovarian cancer syndrome. Also called: Hereditary breast and ovarian cancer syndrome; Breast and ovarian cancer; Hereditary breast and ovarian cancer; Hereditary breast and/or ovarian cancer syndrome; Hereditary breast and ovarian cancer syndrome (HBOC); BRCA1- and BRCA2-Associated Hereditary Breast and Ovarian Cancer. Identifiers: Orphanet 145, MedGen C0677776, MeSH D061325, MONDO:0003582. Disease mechanism: loss of function.
Hereditary cancer-predisposing syndrome. Also called: Hereditary neoplastic syndrome; Tumor predisposition; Neoplastic Syndromes, Hereditary; Hereditary Cancer Syndrome. Identifiers: Orphanet 140162, MedGen C0027672, MeSH D009386, MONDO:0015356.

Submissions (2):

University of Washington Department of Laboratory Medicine, University of Washington
Classification: Likely benign for Hereditary cancer-predisposing syndrome. Last evaluated: 2023-03-23. Review status: criteria provided, single submitter. Criteria: Dines et al. (Genet Med. 2020). Collection method: curation. Allele origin: germline.
Comment: Missense variant in a coldspot region where missense variants are very unlikely to be pathogenic (PMID:31911673).

BRCA2 exon 11 coldspot. Reclassification based on statistical prior probability.

Labcorp Genetics (formerly Invitae), Labcorp
Classification: Uncertain significance for Hereditary breast ovarian cancer syndrome. Last evaluated: 2018-03-05. Review status: criteria provided, single submitter. Criteria: Invitae Variant Classification Sherloc (09022015). Collection method: clinical testing. Allele origin: germline.
Comment: In summary, the available evidence is currently insufficient to determine the role of this variant in disease. Therefore, it has been classified as a Variant of Uncertain Significance. Algorithms developed to predict the effect of missense changes on protein structure and function output the following: SIFT: "Tolerated"; PolyPhen-2: "Possibly Damaging"; Align-GVGD: "Class C0". The lysine amino acid residue is found in multiple mammalian species, suggesting that this missense change does not adversely affect protein function. These predictions have not been confirmed by published functional studies and their clinical significance is uncertain. This variant has not been reported in the literature in individuals with BRCA2-related disease. This variant is not present in population databases (ExAC no frequency). This sequence change replaces arginine with lysine at codon 1329 of the BRCA2 protein (p.Arg1329Lys). The arginine residue is weakly conserved and there is a small physicochemical difference between arginine and lysine.

NM_000059.4(BRCA2):c.3986G>A (p.Arg1329Lys)

Gene: BRCA2 (BRCA2 DNA repair associated; plus strand). Cytogenetic location: 13q13.1.
Variant type: single nucleotide variant.
Coding change: c.3986G>A on transcript NM_000059.4 (MANE Select); coding-DNA position 3986, G replaced by A.
Protein change: p.Arg1329Lys; replaces arginine 1329 with lysine.
Molecular consequence: missense variant.
Genome position (GRCh38, 1-based): chr13:32,338,341, G>A. VCF-style: chr13-32338341-G-A. GRCh37 (hg19) VCF-style: chr13-32912478-G-A.
Other names: short protein forms R1329K.
Identifiers: ClinVar variation 570961 (VCV000570961.10), dbSNP rs1566229484, ClinGen allele CA387778965.